The following is an entry in ClinVar:

ClinVar aggregate classification (germline): Uncertain significance (1 of 4 stars; one submission).

Conditions:
Congenital factor V deficiency. Also called: LABILE FACTOR DEFICIENCY; Hereditary factor V deficiency disease; OWREN PARAHEMOPHILIA; PARAHEMOPHILIA. Identifiers: Orphanet 326, MedGen C0015499, MONDO:0009210, OMIM 227400.

Allele frequency attached by ClinVar (database versions not stated): gnomAD exomes below 0.00001; ExAC 0.00001.

Submission:

Labcorp Genetics (formerly Invitae), Labcorp
Classification: Uncertain significance for Congenital factor V deficiency. Last evaluated: 2023-05-29. Review status: criteria provided, single submitter. Criteria: Invitae Variant Classification Sherloc (09022015). Collection method: clinical testing. Allele origin: germline.
Comment: In summary, the available evidence is currently insufficient to determine the role of this variant in disease. Therefore, it has been classified as a Variant of Uncertain Significance. Advanced modeling of protein sequence and biophysical properties (such as structural, functional, and spatial information, amino acid conservation, physicochemical variation, residue mobility, and thermodynamic stability) performed at Invitae indicates that this missense variant is not expected to disrupt F5 protein function. This variant has not been reported in the literature in individuals affected with F5-related conditions. This variant is not present in population databases (gnomAD no frequency). This sequence change replaces leucine, which is neutral and non-polar, with isoleucine, which is neutral and non-polar, at codon 1429 of the F5 protein (p.Leu1429Ile).

NM_000130.5(F5):c.4285C>A (p.Leu1429Ile)

Gene: F5 (coagulation factor V; minus strand). Cytogenetic location: 1q24.2.
Variant type: single nucleotide variant.
Coding change: c.4285C>A on transcript NM_000130.5 (MANE Select); coding-DNA position 4285, C replaced by A.
Protein change: p.Leu1429Ile; replaces leucine 1429 with isoleucine.
Molecular consequence: missense variant.
Genome position (GRCh38, 1-based): chr1:169,540,805, G>T on the plus strand (C>A on the coding strand, the complement: F5 is on the minus strand). VCF-style: chr1-169540805-G-T. GRCh37 (hg19) VCF-style: chr1-169510043-G-T.
Other names: short protein forms L1429I.
Identifiers: ClinVar variation 2886730 (VCV002886730.3), dbSNP rs746511963, ClinGen allele CA1233722.